The following is an entry in ClinVar:

NM_000245.4(MET):c.1574C>T (p.Ser525Phe)

Gene: MET (MET proto-oncogene, receptor tyrosine kinase; plus strand). Cytogenetic location: 7q31.2.
Variant type: single nucleotide variant.
Coding change: c.1574C>T on transcript NM_000245.4 (MANE Select); coding-DNA position 1574, C replaced by T.
Protein change: p.Ser525Phe; replaces serine 525 with phenylalanine.
Molecular consequence: missense variant.
Genome position (GRCh38, 1-based): chr7:116,740,898, C>T. VCF-style: chr7-116740898-C-T. GRCh37 (hg19) VCF-style: chr7-116380952-C-T.
Other names: c.1574C>T, p.Ser525Phe (NM_001127500.3, NM_001324401.3); c.284C>T, p.Ser95Phe (NM_001324402.2); short protein forms S95F, S525F.
Identifiers: ClinVar variation 3395094 (VCV003395094.2).

ClinVar aggregate classification (germline): Uncertain significance. Review status: criteria provided, multiple submitters, no conflicts (2 of 4 stars). 2 submissions from 2 submitters: Uncertain significance (2). Last evaluated 2025-05-15.

Conditions:
Renal cell carcinoma. Identifiers: Orphanet 217071, MedGen C0007134, MeSH D002292, MONDO:0005086, HP:0005584.
Hereditary cancer-predisposing syndrome. Also called: Hereditary Cancer Syndrome; Tumor predisposition; Hereditary neoplastic syndrome; Neoplastic Syndromes, Hereditary. Identifiers: Orphanet 140162, MedGen C0027672, MeSH D009386, MONDO:0015356.

Submissions (2):

Labcorp Genetics (formerly Invitae), Labcorp
Classification: Uncertain significance for Renal cell carcinoma. Last evaluated: 2025-05-15. Review status: criteria provided, single submitter. Criteria: Invitae Variant Classification Sherloc (09022015). Collection method: clinical testing. Allele origin: germline.
Comment: This sequence change replaces serine, which is neutral and polar, with phenylalanine, which is neutral and non-polar, at codon 525 of the MET protein (p.Ser525Phe). This variant is not present in population databases (gnomAD no frequency). This variant has not been reported in the literature in individuals affected with MET-related conditions. ClinVar contains an entry for this variant (Variation ID: 3395094). Invitae Evidence Modeling of protein sequence and biophysical properties (such as structural, functional, and spatial information, amino acid conservation, physicochemical variation, residue mobility, and thermodynamic stability) indicates that this missense variant is expected to disrupt MET protein function with a positive predictive value of 80%. In summary, the available evidence is currently insufficient to determine the role of this variant in disease. Therefore, it has been classified as a Variant of Uncertain Significance.

Ambry Genetics
Classification: Uncertain significance for Hereditary cancer-predisposing syndrome. Last evaluated: 2024-09-12. Review status: criteria provided, single submitter. Criteria: Ambry Variant Classification Scheme 2023. Collection method: clinical testing. Allele origin: germline.
Comment: The p.S525F variant (also known as c.1574C>T), located in coding exon 4 of the MET gene, results from a C to T substitution at nucleotide position 1574. The serine at codon 525 is replaced by phenylalanine, an amino acid with highly dissimilar properties. This amino acid position is conserved. In addition, the in silico prediction for this alteration is inconclusive. Based on the available evidence, the clinical significance of this variant remains unclear.